The following is an entry in ClinVar:

ClinVar aggregate classification (germline): Uncertain significance. Review status: criteria provided, multiple submitters, no conflicts (2 of 4 stars). 4 submissions from 4 submitters: Uncertain significance (4). Last evaluated 2025-06-17.

Conditions:
Hereditary cancer-predisposing syndrome. Also called: Neoplastic Syndromes, Hereditary; Tumor predisposition; Hereditary neoplastic syndrome; Hereditary Cancer Syndrome. Identifiers: Orphanet 140162, MedGen C0027672, MeSH D009386, MONDO:0015356.

Submissions (4):

Labcorp Genetics (formerly Invitae), Labcorp
Classification: Uncertain significance. Last evaluated: 2025-06-17. Review status: criteria provided, single submitter. Criteria: Invitae Variant Classification Sherloc (09022015). Collection method: clinical testing. Allele origin: germline.
Comment: This variant occurs in a non-coding region of the ANKRD26 gene. It does not change the encoded amino acid sequence of the ANKRD26 protein. This variant is not present in population databases (gnomAD no frequency). This variant has not been reported in the literature in individuals affected with ANKRD26-related conditions. ClinVar contains an entry for this variant (Variation ID: 1337786). In summary, the available evidence is currently insufficient to determine the role of this variant in disease. Therefore, it has been classified as a Variant of Uncertain Significance.

Molecular Pathology, Peter Maccallum Cancer Centre
Classification: Uncertain significance for Hereditary cancer-predisposing syndrome. Last evaluated: 2024-04-16. Review status: criteria provided, single submitter. Criteria: ACMG Guidelines, 2015. Collection method: clinical testing. Allele origin: germline.

Genetic Services Laboratory, University of Chicago
Classification: Uncertain significance. Last evaluated: 2020-12-21. Review status: criteria provided, single submitter. Criteria: ACMG Guidelines, 2015. Collection method: clinical testing. Allele origin: germline. Affected: no.
Comment: This change does not appear to have been previously described in patients with ANKRD26-related disorders and has also not been described in the large population databases such as ExAC and gnomAD. This sequence change is not clearly predicted to have a deleterious effect on splicing based on in silico splice prediction programs. It is possible that this sequence change represents a benign sequence change in the ANKRD26 gene that has not been identified to date. The functional significance of this sequence change is not known at present and its contribution to this patient's disease phenotype cannot definitively be determined.

Blueprint Genetics
Classification: Uncertain significance. Last evaluated: 2020-04-22. Review status: criteria provided, single submitter. Criteria: ACMG Guidelines, 2015. Collection method: clinical testing. Allele origin: germline.

NM_014915.3(ANKRD26):c.-120A>G

Gene: ANKRD26 (ankyrin repeat domain 26; minus strand). Cytogenetic location: 10p12.1.
Variant type: single nucleotide variant.
Coding change: c.-120A>G on transcript NM_014915.3 (MANE Select); 120 bases upstream of the start codon, A replaced by G.
Molecular consequence: 5 prime UTR variant.
Genome position (GRCh38, 1-based): chr10:27,100,446, T>C on the plus strand (A>G on the coding strand, the complement: ANKRD26 is on the minus strand). VCF-style: chr10-27100446-T-C. GRCh37 (hg19) VCF-style: chr10-27389375-T-C.
Other names: c.-120A>G (NM_001256053.2).
Identifiers: ClinVar variation 1337786 (VCV001337786.7), dbSNP rs1589393772, ClinGen allele CA2573053266.